The following is an entry in ClinVar:

NM_001003699.4(RREB1):c.1068C>T (p.Asp356=)

Gene: RREB1 (ras responsive element binding protein 1; plus strand). Cytogenetic location: 6p24.3.
Variant type: single nucleotide variant.
Coding change: c.1068C>T on transcript NM_001003699.4 (MANE Select); coding-DNA position 1068, C replaced by T.
Protein change: p.Asp356=; no amino-acid change (aspartic acid 356 retained).
Molecular consequence: synonymous variant.
Genome position (GRCh38, 1-based): chr6:7,229,167, C>T. VCF-style: chr6-7229167-C-T. GRCh37 (hg19) VCF-style: chr6-7229400-C-T.
Other names: c.1068C>T, p.Asp356= (NM_001003698.4, NM_001003700.2, NM_001168344.2).
Identifiers: ClinVar variation 724008 (VCV000724008.30), dbSNP rs139799223, ClinGen allele CA3625451.

ClinVar aggregate classification (germline): Likely benign. Review status: criteria provided, multiple submitters, no conflicts (2 of 4 stars). 4 submissions from 4 submitters: Likely benign (3). 1 of the submissions does not count toward it. Last evaluated 2023-03-01.

Conditions:
RREB1-related disorder. Also called: RREB1-related condition.

Allele frequency attached by ClinVar (database versions not stated): ESP Exome Variant Server 0.00008; gnomAD 0.00024 and 0.00031; TOPMed 0.00029; 1000 Genomes Project 30x 0.00047; ExAC 0.00047; 1000 Genomes Project 0.00060; gnomAD exomes 0.00062.
gnomAD v4.1: 508 of 1,609,806 alleles (0.032%); highest among the groups gnomAD compares: Middle Eastern, 0.22%; 2 homozygotes.

Submissions (4):

CeGaT Center for Human Genetics Tuebingen
Classification: Likely benign. Last evaluated: 2023-03-01. Review status: criteria provided, single submitter. Criteria: CeGaT Center For Human Genetics Tuebingen Variant Classification Criteria Version 2. Collection method: clinical testing. Allele origin: germline. Affected: yes. Observed: 2 variant alleles.
Comment: RREB1: BP4, BP7

Labcorp Genetics (formerly Invitae), Labcorp
Classification: Likely benign. Last evaluated: 2019-12-31. Review status: criteria provided, single submitter. Criteria: Invitae Variant Classification Sherloc (09022015). Collection method: clinical testing. Allele origin: germline.

Breakthrough Genomics
Classification: Likely benign. Review status: criteria provided, single submitter. Criteria: ACMG Guidelines, 2015. Collection method: not provided. Allele origin: germline. Inheritance: Unknown mechanism. Affected: yes.

PreventionGenetics, part of Exact Sciences
Classification: Benign for RREB1-related condition. Last evaluated: 2019-09-10. Review status: no assertion criteria provided. Collection method: clinical testing. Allele origin: germline. Not counted in ClinVar's aggregate classification.
Comment: This variant is classified as benign based on ACMG/AMP sequence variant interpretation guidelines (Richards et al. 2015 PMID: 25741868, with internal and published modifications).